The following is an entry in ClinVar:

ClinVar aggregate classification (germline): Conflicting classifications of pathogenicity. Review status: criteria provided, conflicting classifications (1 of 4 stars). 2 submissions from 2 submitters: Likely pathogenic (1); Uncertain significance (1). Last evaluated 2025-10-15.

Conditions:
Hereditary cancer-predisposing syndrome. Also called: Neoplastic Syndromes, Hereditary; Tumor predisposition; Hereditary Cancer Syndrome; Hereditary neoplastic syndrome. Identifiers: Orphanet 140162, MedGen C0027672, MeSH D009386, MONDO:0015356.

Submissions (2):

Mayo Clinic Laboratories, Mayo Clinic
Classification: Likely pathogenic. Last evaluated: 2025-10-15. Review status: criteria provided, single submitter. Criteria: ACMG Guidelines, 2015. Collection method: clinical testing. Allele origin: germline. Observed: 1 variant allele.
Comment: PP3_strong, PP4, PM2_supporting

Ambry Genetics
Classification: Uncertain significance for Hereditary cancer-predisposing syndrome. Last evaluated: 2025-06-20. Review status: criteria provided, single submitter. Criteria: Ambry Variant Classification Scheme 2023. Collection method: clinical testing. Allele origin: germline.
Comment: The p.W66C variant (also known as c.198G>C), located in coding exon 3 of the SDHD gene, results from a G to C substitution at nucleotide position 198. The tryptophan at codon 66 is replaced by cysteine, an amino acid with highly dissimilar properties. This amino acid position is conserved. In addition, this alteration is predicted to be deleterious by in silico analysis. Based on the available evidence, the clinical significance of this variant remains unclear.

NM_003002.4(SDHD):c.198G>C (p.Trp66Cys)

Gene: SDHD (succinate dehydrogenase complex subunit D; plus strand). Cytogenetic location: 11q23.1.
Variant type: single nucleotide variant.
Coding change: c.198G>C on transcript NM_003002.4 (MANE Select); coding-DNA position 198, G replaced by C.
Protein change: p.Trp66Cys; replaces tryptophan 66 with cysteine.
Molecular consequence: missense variant. On other transcripts: non-coding transcript variant (1), intron variant (1).
Genome position (GRCh38, 1-based): chr11:112,088,895, G>C. VCF-style: chr11-112088895-G-C. GRCh37 (hg19) VCF-style: chr11-111959619-G-C.
Other names: p.Trp66Cys; c.81G>C, p.Trp27Cys (NM_001276504.2); c.198G>C, p.Trp66Cys (NM_001276506.2); c.169+922G>C (NM_001276503.2); short protein forms W27C, W66C.
Identifiers: ClinVar variation 4161270 (VCV004161270.2).